The following is an entry in ClinVar:

NM_170606.3(KMT2C):c.1173C>A (p.Cys391Ter)

Genes: KMT2C (lysine methyltransferase 2C; minus strand), LOC123956272 (Sharpr-MPRA regulatory region 15588; plus strand). Cytogenetic location: 7q36.1.
Variant type: single nucleotide variant.
Coding change: c.1173C>A on transcript NM_170606.3 (MANE Select); coding-DNA position 1173, C replaced by A.
Protein change: p.Cys391Ter; replaces cysteine 391 with a stop codon.
Molecular consequence: nonsense.
Genome position (GRCh38, 1-based): chr7:152,265,049, G>T on the plus strand (C>A on the coding strand, the complement: KMT2C is on the minus strand). VCF-style: chr7-152265049-G-T. GRCh37 (hg19) VCF-style: chr7-151962134-G-T.
Other names: short protein forms C391*.
Identifiers: ClinVar variation 1205926 (VCV001205926.27), dbSNP rs146238849, ClinGen allele CA4581577.
Genomic context (GRCh38, chr7:152,265,049, plus strand): 5'-GGTCCCTCTTAAACCCAATACACAGCTTTGAATTGAAATGAAAACTTACTTGCAGTTCTG[G>T]CACACTTTGCACTCAGGACATTGCCAACCTGCACGTTTTAATGGAGTAACCGCTATATCC-3'

ClinVar aggregate classification (germline): Likely benign. Review status: criteria provided, multiple submitters, no conflicts (2 of 4 stars). 5 submissions from 5 submitters: Likely benign (3). 2 of the submissions do not count toward it. Last evaluated 2024-11-27.

Allele frequency attached by ClinVar (database versions not stated): gnomAD exomes 0.00289.

Submissions (5):

Blueprint Genetics
Classification: Likely benign. Last evaluated: 2024-11-27. Review status: criteria provided, single submitter. Criteria: ACMG Guidelines, 2015. Collection method: clinical testing. Allele origin: germline.

CeGaT Center for Human Genetics Tuebingen
Classification: Likely benign. Last evaluated: 2024-02-01. Review status: criteria provided, single submitter. Criteria: CeGaT Center For Human Genetics Tuebingen Variant Classification Criteria Version 2. Collection method: clinical testing. Allele origin: germline. Affected: yes. Observed: 3 variant alleles.
Comment: KMT2C: BS1

Breakthrough Genomics
Classification: Likely benign. Review status: criteria provided, single submitter. Criteria: ACMG Guidelines, 2015. Collection method: not provided. Allele origin: germline. Inheritance: Autosomal dominant inheritance. Affected: yes.

Clinical Genetics DNA and cytogenetics Diagnostics Lab, Erasmus MC, Erasmus Medical Center
Classification: Benign. Review status: no assertion criteria provided. Collection method: clinical testing. Allele origin: germline. Affected: yes. Study: VKGL Data-share Consensus. Not counted in ClinVar's aggregate classification.

Laboratory of Diagnostic Genome Analysis, Leiden University Medical Center (LUMC)
Classification: Likely benign. Review status: no assertion criteria provided. Collection method: clinical testing. Allele origin: germline. Affected: yes. Study: VKGL Data-share Consensus. Not counted in ClinVar's aggregate classification.